The following is an entry in ClinVar:

ClinVar aggregate classification (germline): Likely benign. Review status: criteria provided, multiple submitters, no conflicts (2 of 4 stars). 2 submissions from 2 submitters: Likely benign (2). Last evaluated 2025-02-16.

gnomAD v4.1: 24 of 1,600,608 alleles (0.0015%); highest among the groups gnomAD compares: Non-Finnish European, 0.002%; no homozygotes.

Submissions (2):

Laboratory of Genetics, Children's Clinical University Hospital Latvia
Classification: Likely benign. Last evaluated: 2025-02-16. Review status: criteria provided, single submitter. Criteria: ACMG Guidelines, 2015. Collection method: clinical testing. Allele origin: germline. Affected: yes.

CeGaT Center for Human Genetics Tuebingen
Classification: Likely benign. Last evaluated: 2024-10-01. Review status: criteria provided, single submitter. Criteria: CeGaT Center For Human Genetics Tuebingen Variant Classification Criteria Version 2. Collection method: clinical testing. Allele origin: germline. Affected: yes. Observed: 1 variant allele.
Comment: PACS1: BP4, BS2

NM_018026.4(PACS1):c.1038+8C>T

Gene: PACS1 (phosphofurin acidic cluster sorting protein 1; plus strand). Cytogenetic location: 11q13.2.
Variant type: single nucleotide variant.
Coding change: c.1038+8C>T on transcript NM_018026.4 (MANE Select); 8 bases into the intron after coding-DNA position 1038, C replaced by T.
Molecular consequence: intron variant.
Genome position (GRCh38, 1-based): chr11:66,219,813, C>T. VCF-style: chr11-66219813-C-T. GRCh37 (hg19) VCF-style: chr11-65987284-C-T.
Identifiers: ClinVar variation 3389468 (VCV003389468.15).
Genomic context (GRCh38, chr11:66,219,813, plus strand): 5'-ACATCAAACAGAAGTTTGTGGCCCTCCTGAAGCGGTTTAAAGTTTCAGATGAGGTATGGC[C>T]TCTTACTCCCAAGGTTAATGGTGAGTAGAATTCCCCGGGTTTCACCCAGCATCCCTGGAG-3'